The following is an entry in ClinVar:

NM_015450.3(POT1):c.763A>C (p.Asn255His)

Gene: POT1 (protection of telomeres 1; minus strand). Cytogenetic location: 7q31.33.
Variant type: single nucleotide variant.
Coding change: c.763A>C on transcript NM_015450.3 (MANE Select); coding-DNA position 763, A replaced by C.
Protein change: p.Asn255His; replaces asparagine 255 with histidine.
Molecular consequence: missense variant. On other transcripts: non-coding transcript variant (3).
Genome position (GRCh38, 1-based): chr7:124,853,078, T>G on the plus strand (A>C on the coding strand, the complement: POT1 is on the minus strand). VCF-style: chr7-124853078-T-G. GRCh37 (hg19) VCF-style: chr7-124493132-T-G.
Other names: c.370A>C, p.Asn124His (NM_001042594.2); short protein forms N255H, N124H.
Identifiers: ClinVar variation 541879 (VCV000541879.20), dbSNP rs1260902476, ClinGen allele CA369055573.
Genomic context (GRCh38, chr7:124,853,078, plus strand): 5'-TTCCCCGACCGTAACTGGTACCTCCATGAAGATGAAACTCTAAACTTAACATTGTCTGAT[T>G]CTCTGAATTCATTGATTGAAGTTTGGTATGAAGGCTATAGATTCTAAGAAAGCTTCCAAC-3'
Protein context (NP_056265.2, residues 245-265): HTKLQSMNSE[Asn255His]QTMLSLEFHL

ClinVar aggregate classification (germline): Conflicting classifications of pathogenicity. Review status: criteria provided, conflicting classifications (1 of 4 stars). 4 submissions from 4 submitters: Uncertain significance (3); Likely benign (1). Last evaluated 2025-08-28.

Conditions:
Tumor predisposition syndrome 3 (TPDS3). Also called: Glioma susceptibility 9; LONG TELOMERE SYNDROME, POT1-RELATED; POT1 Tumor Predisposition; Melanoma, cutaneous malignant, susceptibility to, 10. Identifiers: Orphanet 618, MedGen C4014476, MONDO:0014368, OMIM 615848.
Hereditary cancer-predisposing syndrome. Also called: Hereditary Cancer Syndrome; Neoplastic Syndromes, Hereditary; Hereditary neoplastic syndrome; Tumor predisposition. Identifiers: Orphanet 140162, MedGen C0027672, MeSH D009386, MONDO:0015356.

Allele frequency attached by ClinVar (database versions not stated): gnomAD exomes 0.00001 and 0.00002; TOPMed 0.00001; gnomAD 0.00002.
gnomAD v4.1: 14 of 1,609,466 alleles (0.00087%); highest among the groups gnomAD compares: East Asian, 0.011%; no homozygotes.

Submissions (4):

Labcorp Genetics (formerly Invitae), Labcorp
Classification: Uncertain significance for Tumor predisposition syndrome 3. Last evaluated: 2025-08-28. Review status: criteria provided, single submitter. Criteria: Invitae Variant Classification Sherloc (09022015). Collection method: clinical testing. Allele origin: germline.
Comment: This sequence change replaces asparagine, which is neutral and polar, with histidine, which is basic and polar, at codon 255 of the POT1 protein (p.Asn255His). This variant is present in population databases (no rsID available, gnomAD 0.03%). This variant has not been reported in the literature in individuals affected with POT1-related conditions. ClinVar contains an entry for this variant (Variation ID: 541879). Invitae Evidence Modeling of protein sequence and biophysical properties (such as structural, functional, and spatial information, amino acid conservation, physicochemical variation, residue mobility, and thermodynamic stability) indicates that this missense variant is not expected to disrupt POT1 protein function with a negative predictive value of 80%. In summary, the available evidence is currently insufficient to determine the role of this variant in disease. Therefore, it has been classified as a Variant of Uncertain Significance.

Quest Diagnostics Nichols Institute San Juan Capistrano
Classification: Uncertain significance. Last evaluated: 2025-02-04. Review status: criteria provided, single submitter. Criteria: Quest Diagnostics criteria. Collection method: clinical testing. Allele origin: unknown.
Comment: The POT1 c.763A>C (p.Asn255His) variant has not been reported in individuals with POT1-related conditions in the published literature. The frequency of this variant in the general population (Genome Aggregation Database) is higher than would generally be expected for pathogenic variants in this gene. Analysis of this variant using bioinformatics tools for the prediction of the effect of amino acid changes on protein structure and function yielded predictions that this variant is benign. Based on the available information, we are unable to determine the clinical significance of this variant.

Ambry Genetics
Classification: Likely benign for Hereditary cancer-predisposing syndrome. Last evaluated: 2024-01-22. Review status: criteria provided, single submitter. Criteria: Ambry Variant Classification Scheme 2023. Collection method: clinical testing. Allele origin: germline.

GeneDx
Classification: Uncertain significance. Last evaluated: 2023-09-07. Review status: criteria provided, single submitter. Criteria: GeneDx Variant Classification Process June 2021. Collection method: clinical testing. Allele origin: germline. Affected: yes.
Comment: In silico analysis supports that this missense variant does not alter protein structure/function; Has not been previously published as pathogenic or benign to our knowledge; This variant is associated with the following publications: (PMID: 28393830)